The following is an entry in ClinVar:

ClinVar aggregate classification (germline): Uncertain significance (1 of 4 stars; one submission).

Submission:

Mayo Clinic Laboratories, Mayo Clinic
Classification: Uncertain significance. Last evaluated: 2024-06-11. Review status: criteria provided, single submitter. Criteria: ACMG Guidelines, 2015. Collection method: clinical testing. Allele origin: germline. Observed: 1 variant allele.
Comment: BP4, PM2_moderate

NM_006516.4(SLC2A1):c.297G>C (p.Met99Ile)

Gene: SLC2A1 (solute carrier family 2 member 1; minus strand). Cytogenetic location: 1p34.2.
Variant type: single nucleotide variant.
Coding change: c.297G>C on transcript NM_006516.4 (MANE Select); coding-DNA position 297, G replaced by C.
Protein change: p.Met99Ile; replaces methionine 99 with isoleucine.
Molecular consequence: missense variant.
Genome position (GRCh38, 1-based): chr1:42,930,845, C>G on the plus strand (G>C on the coding strand, the complement: SLC2A1 is on the minus strand). VCF-style: chr1-42930845-C-G. GRCh37 (hg19) VCF-style: chr1-43396516-C-G.
Other names: p.Met99Ile; short protein forms M99I.
Identifiers: ClinVar variation 3379601 (VCV003379601.1).